The following is an entry in ClinVar:

ClinVar aggregate classification (germline): Uncertain significance (1 of 4 stars; one submission).

Submission:

Labcorp Genetics (formerly Invitae), Labcorp
Classification: Uncertain significance. Last evaluated: 2025-03-14. Review status: criteria provided, single submitter. Criteria: Invitae Variant Classification Sherloc (09022015). Collection method: clinical testing. Allele origin: germline.
Comment: This sequence change replaces alanine, which is neutral and non-polar, with threonine, which is neutral and polar, at codon 639 of the PTPN23 protein (p.Ala639Thr). This variant is not present in population databases (gnomAD no frequency). This variant has not been reported in the literature in individuals affected with PTPN23-related conditions. Experimental studies and prediction algorithms are not available or were not evaluated, and the functional significance of this variant is currently unknown. In summary, the available evidence is currently insufficient to determine the role of this variant in disease. Therefore, it has been classified as a Variant of Uncertain Significance.

NM_015466.4(PTPN23):c.1915G>A (p.Ala639Thr)

Gene: PTPN23 (protein tyrosine phosphatase non-receptor type 23; plus strand). Cytogenetic location: 3p21.31.
Variant type: single nucleotide variant.
Coding change: c.1915G>A on transcript NM_015466.4 (MANE Select); coding-DNA position 1915, G replaced by A.
Protein change: p.Ala639Thr; replaces alanine 639 with threonine.
Molecular consequence: missense variant.
Genome position (GRCh38, 1-based): chr3:47,409,534, G>A. VCF-style: chr3-47409534-G-A. GRCh37 (hg19) VCF-style: chr3-47451024-G-A.
Other names: c.1537G>A, p.Ala513Thr (NM_001304482.2); short protein forms A513T, A639T.
Identifiers: ClinVar variation 3729304 (VCV003729304.2).